The following is an entry in ClinVar:

ClinVar aggregate classification (germline): Pathogenic. Review status: criteria provided, single submitter (1 of 4 stars). 2 submissions from 2 submitters: Pathogenic (1). 1 of the submissions does not count toward it. Last evaluated 2020-03-01.

Conditions:
Gray platelet syndrome (GPS). Also called: BLEEDING DISORDER, PLATELET-TYPE, 4. Identifiers: Orphanet 721, MedGen C0272302, MONDO:0007686, OMIM 139090.

Submissions (2):

NIHR Bioresource Rare Diseases, University of Cambridge
Classification: Pathogenic for Gray platelet syndrome. Last evaluated: 2020-03-01. Review status: criteria provided, single submitter. Criteria: ACMG Guidelines, 2015. Collection method: research. Allele origin: inherited. Inheritance: Autosomal recessive inheritance. Affected: yes. Observed: 2 variant alleles, 2 homozygotes.
Comment: ACMG criteria: PVS1, PM2, PM3, PP1, PP4

ISTH-SSC Genomics in Thrombosis and Hemostasis, KU Leuven, Center for Molecular and Vascular Biology
Classification: Pathogenic for Gray platelet syndrome. Review status: no assertion criteria provided. Collection method: research. Allele origin: unknown. Affected: yes. Not counted in ClinVar's aggregate classification.
Comment: Submitted to GoldVariant by Dr Karyn Mégy from NIHR Bioresource - Cambridge University, UK

Literature cited by the submitters: PubMed 32693407 (cited by NIHR Bioresource Rare Diseases, University of Cambridge).

NM_015175.3(NBEAL2):c.4890del (p.Arg1631fs)

Gene: NBEAL2 (neurobeachin like 2; plus strand). Cytogenetic location: 3p21.31.
Variant type: Deletion.
Coding change: c.4890del on transcript NM_015175.3 (MANE Select); coding-DNA position 4890, one base deleted (G; older notation c.4890delG).
Protein change: p.Arg1631fs; shifts the reading frame from arginine 1631.
Molecular consequence: frameshift variant.
Genome position (GRCh38, 1-based): chr3:47,002,027, G deleted; the last of 4 consecutive G bases (chr3:47,002,024-47,002,027); deleting any one gives the same sequence. VCF-style (leftmost placement, unchanged base first): chr3-47002023-TG-T. GRCh37 (hg19) VCF-style: chr3-47043513-TG-T.
Other names: c.4788del, p.Arg1597fs (NM_001365116.2); short protein forms R1597fs, R1631fs.
Identifiers: ClinVar variation 982277 (VCV000982277.2), dbSNP rs2037042664, ClinGen allele CA1139658052.
Genomic context (GRCh38, chr3:47,002,023, plus strand): 5'-CTGCAGTGCCAGCCCGCCGCGAGGAGGCCTGCTATGTGCTCTCCAAGCTGGAGGCTGCAC[TG>T]GGGCGGGTGCTGAACACCTCTTCCTTGGAGTCAGCCACTGATGAGGCAGGGTCCCCACTT-3'